The following is an entry in ClinVar:

NM_080911.3(UNG):c.366_369del (p.Arg122fs)

Gene: UNG (uracil DNA glycosylase; plus strand). Cytogenetic location: 12q24.11.
Variant type: Microsatellite.
Coding change: c.366_369del on transcript NM_080911.3 (MANE Select); coding-DNA positions 366 to 369, 4 bases deleted (AAAG; older notation c.366_369delAAAG).
Protein change: p.Arg122fs; shifts the reading frame from arginine 122.
Molecular consequence: frameshift variant.
Genome position (GRCh38, 1-based): chr12:109,099,215-109,099,218, AAAG deleted; deleting any 4 consecutive bases within chr12:109,099,208-109,099,218 gives the same sequence; the c. name uses the placement nearest the transcript's 3' end. VCF-style (leftmost placement, unchanged base first): chr12-109099207-GAAGA-G. GRCh37 (hg19) VCF-style: chr12-109537012-GAAGA-G.
Other names: c.339_342del, p.Arg113fs (NM_003362.4); short protein forms R113fs, R122fs.
Identifiers: ClinVar variation 1452551 (VCV001452551.6), dbSNP rs757311287, ClinGen allele CA6772593.

ClinVar aggregate classification (germline): Pathogenic (1 of 4 stars; one submission).

Conditions:
Hyper-IgM syndrome type 5 (HIGM5). Also called: Hyper-IgM Immunodeficiency Syndrome, Type 5. Identifiers: Orphanet 101092, MedGen C1720958, MONDO:0011971, OMIM 608106.

Submission:

Labcorp Genetics (formerly Invitae), Labcorp
Classification: Pathogenic for Hyper-IgM syndrome type 5. Last evaluated: 2025-09-08. Review status: criteria provided, single submitter. Criteria: Invitae Variant Classification Sherloc (09022015). Collection method: clinical testing. Allele origin: germline.
Comment: This sequence change creates a premature translational stop signal (p.Arg122Serfs*21) in the UNG gene. It is expected to result in an absent or disrupted protein product. Loss-of-function variants in UNG are known to be pathogenic (PMID: 12958596). This variant is present in population databases (rs757311287, gnomAD 0.01%). This variant has not been reported in the literature in individuals affected with UNG-related conditions. Algorithms developed to predict the effect of sequence changes on RNA splicing suggest that this variant may disrupt the consensus splice site. For these reasons, this variant has been classified as Pathogenic.

Literature cited by the submitters: PubMed 12958596.